The following is an entry in ClinVar:

NM_016032.4(ZDHHC9):c.491G>A (p.Arg164His)

Gene: ZDHHC9 (zDHHC palmitoyltransferase 9; minus strand). Cytogenetic location: Xq26.1.
Variant type: single nucleotide variant.
Coding change: c.491G>A on transcript NM_016032.4 (MANE Select); coding-DNA position 491, G replaced by A.
Protein change: p.Arg164His; replaces arginine 164 with histidine.
Molecular consequence: missense variant.
Genome position (GRCh38, 1-based): chrX:129,814,792, C>T on the plus strand (G>A on the coding strand, the complement: ZDHHC9 is on the minus strand). VCF-style: chrX-129814792-C-T. GRCh37 (hg19) VCF-style: chrX-128948768-C-T.
Other names: c.491G>A (NM_016032.2); c.491G>A, p.Arg164His (NM_001008222.3); short protein forms R164H.
Identifiers: ClinVar variation 2841131 (VCV002841131.5), dbSNP rs2522189523, ClinGen allele CA414587193.

ClinVar aggregate classification (germline): Uncertain significance. Review status: criteria provided, multiple submitters, no conflicts (2 of 4 stars). 2 submissions from 2 submitters: Uncertain significance (2). Last evaluated 2026-04-11.

Conditions:
Intellectual developmental disorder, X-linked, syndromic, Raymond type. Also called: Syndromic X-linked intellectual disability Raymond type. Identifiers: MedGen C3275406, MONDO:0010427, OMIM 300799.

Submissions (2):

GeneDx
Classification: Uncertain significance. Last evaluated: 2026-04-11. Review status: criteria provided, single submitter. Criteria: GeneDx Variant Classification Process June 2021. Collection method: clinical testing. Allele origin: germline.
Comment: Not observed at significant frequency in large population cohorts (gnomAD); In silico analysis supports that this missense variant has a deleterious effect on protein structure/function; Has not been previously published as pathogenic or benign to our knowledge

Labcorp Genetics (formerly Invitae), Labcorp
Classification: Uncertain significance for Intellectual developmental disorder, X-linked, syndromic, Raymond type. Last evaluated: 2023-04-20. Review status: criteria provided, single submitter. Criteria: Invitae Variant Classification Sherloc (09022015). Collection method: clinical testing. Allele origin: germline.
Comment: In summary, the available evidence is currently insufficient to determine the role of this variant in disease. Therefore, it has been classified as a Variant of Uncertain Significance. Advanced modeling of protein sequence and biophysical properties (such as structural, functional, and spatial information, amino acid conservation, physicochemical variation, residue mobility, and thermodynamic stability) performed at Invitae indicates that this missense variant is not expected to disrupt ZDHHC9 protein function. This variant has not been reported in the literature in individuals affected with ZDHHC9-related conditions. This variant is not present in population databases (gnomAD no frequency). This sequence change replaces arginine, which is basic and polar, with histidine, which is basic and polar, at codon 164 of the ZDHHC9 protein (p.Arg164His).